The following is an entry in ClinVar:

ClinVar aggregate classification (germline): Likely benign. Review status: criteria provided, multiple submitters, no conflicts (2 of 4 stars). 2 submissions from 2 submitters: Likely benign (2). Last evaluated 2024-09-24.

Conditions:
Hereditary diffuse gastric adenocarcinoma (HDGC). Also called: DIFFUSE GASTRIC AND LOBULAR BREAST CANCER SYNDROME. Identifiers: Orphanet 26106, MedGen C1708349, MONDO:0007648, OMIM 137215.

Submissions (2):

Myriad Genetics, Inc.
Classification: Likely benign for Hereditary diffuse gastric adenocarcinoma. Last evaluated: 2024-09-24. Review status: criteria provided, single submitter. Criteria: Myriad Autosomal Dominant, Autosomal Recessive and X-Linked Classification Criteria (2023). Collection method: clinical testing. Allele origin: unknown.
Comment: This variant is considered likely benign. This variant is intronic and is not expected to impact mRNA splicing.

Labcorp Genetics (formerly Invitae), Labcorp
Classification: Likely benign for Hereditary diffuse gastric adenocarcinoma. Last evaluated: 2022-09-09. Review status: criteria provided, single submitter. Criteria: Invitae Variant Classification Sherloc (09022015). Collection method: clinical testing. Allele origin: germline.

NM_004360.5(CDH1):c.2440-7del

Gene: CDH1 (cadherin 1; plus strand). Cytogenetic location: 16q22.1.
Variant type: Deletion.
Coding change: c.2440-7del on transcript NM_004360.5 (MANE Select); 7 bases into the intron before coding-DNA position 2440, one base deleted (T; older notation c.2440-7delT).
Molecular consequence: intron variant.
Genome position (GRCh38, 1-based): chr16:68,833,283, T deleted; the last of 2 consecutive T bases (chr16:68,833,282-68,833,283); deleting either gives the same sequence. VCF-style (leftmost placement, unchanged base first): chr16-68833281-CT-C. GRCh37 (hg19) VCF-style: chr16-68867184-CT-C.
Other names: c.892-7del (NM_001317185.2); c.475-7del (NM_001317186.2); c.2257-7del (NM_001317184.2).
Identifiers: ClinVar variation 2415583 (VCV002415583.8), dbSNP rs2543963948, ClinGen allele CA2580091859.